The following is an entry in ClinVar:

ClinVar aggregate classification (germline): Likely benign (1 of 4 stars; one submission).

gnomAD v4.1: 2 of 1,614,090 alleles (0.00012%); highest among the groups gnomAD compares: South Asian, 0.0011%; no homozygotes.

Submission:

CeGaT Center for Human Genetics Tuebingen
Classification: Likely benign. Last evaluated: 2023-05-01. Review status: criteria provided, single submitter. Criteria: CeGaT Center For Human Genetics Tuebingen Variant Classification Criteria Version 2. Collection method: clinical testing. Allele origin: germline. Affected: yes. Observed: 2 variant alleles.
Comment: EP300: PM2:Supporting, BP4, BP7

NM_001429.4(EP300):c.6108A>G (p.Val2036=)

Gene: EP300 (EP300 lysine acetyltransferase; plus strand). Cytogenetic location: 22q13.2.
Variant type: single nucleotide variant.
Coding change: c.6108A>G on transcript NM_001429.4 (MANE Select); coding-DNA position 6108, A replaced by G.
Protein change: p.Val2036=; no amino-acid change (valine 2036 retained).
Molecular consequence: synonymous variant.
Genome position (GRCh38, 1-based): chr22:41,177,819, A>G. VCF-style: chr22-41177819-A-G. GRCh37 (hg19) VCF-style: chr22-41573823-A-G.
Other names: c.6030A>G, p.Val2010= (NM_001362843.2).
Identifiers: ClinVar variation 2653212 (VCV002653212.24), dbSNP rs200624744, ClinGen allele CA514794628.
Genomic context (GRCh38, chr22:41,177,819, plus strand): 5'-GTCAGTGGCCCAGCATGGTCAACCTTTGAACATGGCTCCACAACCAGGATTGGGCCAGGT[A>G]GGTATCAGCCCACTCAAACCAGGCACTGTGTCTCAACAAGCCTTACAAAACCTTTTGCGG-3'
Protein context (NP_001420.2, residues 2026-2046): NMAPQPGLGQ[Val2036=]GISPLKPGTV